The following is an entry in ClinVar:

ClinVar aggregate classification (germline): Pathogenic/Likely pathogenic. Review status: criteria provided, multiple submitters, no conflicts (2 of 4 stars). 9 submissions from 9 submitters: Pathogenic (8); Likely pathogenic (1). Last evaluated 2026-01-29.

Conditions:
CEP290-related ciliopathy. Also called: CEP290 ciliopathy. Identifiers: MedGen CN305601, MONDO:0100451.
CEP290-related disorder. Also called: CEP290-related condition; CEP290-related disorders. Identifiers: MedGen CN239314.
Meckel-Gruber syndrome. Also called: DYSENCEPHALIA SPLANCHNOCYSTICA; GRUBER SYNDROME; Dysencephalia splachnocystica. Identifiers: Orphanet 564, MedGen C0265215, MONDO:0018921.
Joubert syndrome. Also called: Familial aplasia of the vermis; JOUBERT-BOLTSHAUSER SYNDROME. Identifiers: Orphanet 475, MedGen C5979921, MONDO:0018772.
Nephronophthisis. Also called: Juvenile Nephronophthisis. Identifiers: Orphanet 655, MedGen C0687120, MONDO:0019005, HP:0000090.
Bardet-Biedl syndrome 14 (BBS14). Identifiers: Orphanet 110, MedGen C2673874, MONDO:0014442, OMIM 615991.
Joubert syndrome 5 (JBTS5). Identifiers: Orphanet 2318, MedGen C1857780, MONDO:0012432, OMIM 610188.
Meckel syndrome, type 4 (MKS4). Also called: MECKEL-GRUBER SYNDROME, TYPE 4. Identifiers: Orphanet 564, MedGen C1970161, MONDO:0012626, OMIM 611134.
Leber congenital amaurosis 10 (LCA10). Identifiers: Orphanet 65, MedGen C1857821, MONDO:0012723, OMIM 611755.
Senior-Loken syndrome 6 (SLSN6). Identifiers: Orphanet 3156, MedGen C1857779, MONDO:0012433, OMIM 610189.
Leber congenital amaurosis (LCA). Also called: Leber's amaurosis. Identifiers: Orphanet 65, MedGen C0339527, MeSH D057130, MONDO:0018998.

Submissions (9):

Natera, Inc.
Classification: Pathogenic for Leber congenital amaurosis. Last evaluated: 2026-01-29. Review status: criteria provided, single submitter. Criteria: Natera Variant Classification Schema (03/2026). Collection method: clinical testing. Allele origin: germline.
Comment: The c.5445_5448delAACT variant in CEP290 is a frameshift variant predicted to shift the reading frame beginning at codon 1816 and leads to a stop codon 3 codons downstream. This variant is expected to result in nonsense mediated decay, truncation, or a dysfunctional protein product. This variant is rare in the general population with a frequency below the threshold expected for the associated phenotype(s). This variant has been observed in one or more individuals affected with the associated recessive disease, as either homozygous or compound heterozygous with a second variant (PMID: 21068128). Given the available evidence, this variant is classified as Pathogenic.

PreventionGenetics, part of Exact Sciences
Classification: Pathogenic for CEP290-related condition. Last evaluated: 2025-11-26. Review status: criteria provided, single submitter. Criteria: ACMG Guidelines, 2015. Collection method: clinical testing. Allele origin: germline.
Comment: The CEP290 c.5445_5448delAACT variant is predicted to result in a frameshift and premature protein termination (p.Thr1816Ilefs*3). This variant has been reported in patients with autosomal recessive CEP290-related disorders (Otto et al. 2011. PubMed ID: 21068128; Chaki et al. 2011. PubMed ID: 21866095). This variant is reported in 0.0051% of alleles in individuals of European (Finnish) descent in gnomAD. Frameshift variants in CEP290 are expected to be pathogenic. This variant is interpreted as pathogenic.

Myriad Genetics, Inc.
Classification: Pathogenic for CEP290-related ciliopathy. Last evaluated: 2025-07-16. Review status: criteria provided, single submitter. Criteria: Myriad Autosomal Dominant, Autosomal Recessive and X-Linked Classification Criteria (2023). Collection method: clinical testing. Allele origin: unknown.
Comment: NM_025114.3(CEP290):c.5445_5448delAACT(T1816Ifs*3) is a frameshift variant classified as pathogenic in the context of CEP290-related disorders. T1816Ifs*3 has been observed in cases with relevant disease (PMID: 32139166, 39728598). Relevant functional assessments of this variant are not available in the literature. T1816Ifs*3 has been observed in referenced population frequency databases. In summary, NM_025114.3(CEP290):c.5445_5448delAACT(T1816Ifs*3) is a frameshift variant in a gene where loss of function is a known mechanism of disease, is predicted to disrupt protein function, and has been observed more frequently in cases with the relevant disease than in healthy populations. Please note: this variant was assessed in the context of healthy population screening.

Labcorp Genetics (formerly Invitae), Labcorp
Classification: Pathogenic for Joubert syndrome; Meckel-Gruber syndrome; Nephronophthisis. Last evaluated: 2025-06-24. Review status: criteria provided, single submitter. Criteria: Invitae Variant Classification Sherloc (09022015). Collection method: clinical testing. Allele origin: germline.
Comment: This sequence change creates a premature translational stop signal (p.Thr1816Ilefs*3) in the CEP290 gene. It is expected to result in an absent or disrupted protein product. Loss-of-function variants in CEP290 are known to be pathogenic (PMID: 16909394, 17345604, 20690115). This variant is present in population databases (rs749331348, gnomAD 0.005%). This premature translational stop signal has been observed in individual(s) with Joubert syndrome (PMID: 21068128). ClinVar contains an entry for this variant (Variation ID: 647028). For these reasons, this variant has been classified as Pathogenic.

GeneDx
Classification: Pathogenic. Last evaluated: 2025-06-04. Review status: criteria provided, single submitter. Criteria: GeneDx Variant Classification Process June 2021. Collection method: clinical testing. Allele origin: germline. Affected: yes.
Comment: Frameshift variant predicted to result in protein truncation or nonsense mediated decay in a gene for which loss-of-function is a known mechanism of disease; Not observed at significant frequency in large population cohorts (gnomAD); This variant is associated with the following publications: (PMID: 31964843, 21866095, 21068128)

Revvity Omics, Revvity
Classification: Pathogenic. Last evaluated: 2024-09-29. Review status: criteria provided, single submitter. Criteria: ACMG Guidelines, 2015. Collection method: clinical testing. Allele origin: germline.

Baylor Genetics
Classification: Pathogenic for Bardet-Biedl syndrome 14. Last evaluated: 2024-03-12. Review status: criteria provided, single submitter. Criteria: ACMG Guidelines, 2015. Collection method: clinical testing. Allele origin: unknown.

Fulgent Genetics
Classification: Pathogenic for Joubert syndrome 5; Senior-Loken syndrome 6; Meckel syndrome, type 4; Leber congenital amaurosis 10; Bardet-Biedl syndrome 14. Last evaluated: 2024-02-19. Review status: criteria provided, single submitter. Criteria: ACMG Guidelines, 2015. Collection method: clinical testing. Allele origin: germline.

Blueprint Genetics
Classification: Likely pathogenic for CEP290-related disorders. Last evaluated: 2019-10-30. Review status: criteria provided, single submitter. Criteria: ACMG Guidelines, 2015. Collection method: clinical testing. Allele origin: germline. Affected: yes. Observed: 1 variant allele.

Literature cited by the submitters: PubMed 21068128 (cited by Natera, Inc. and Labcorp Genetics (formerly Invitae), Labcorp); PubMed 32139166 (cited by Myriad Genetics, Inc.); PubMed 39728598 (cited by Myriad Genetics, Inc.); PubMed 16909394 (cited by Labcorp Genetics (formerly Invitae), Labcorp); PubMed 17345604 (cited by Labcorp Genetics (formerly Invitae), Labcorp); PubMed 20690115 (cited by Labcorp Genetics (formerly Invitae), Labcorp).

NM_025114.4(CEP290):c.5445_5448del (p.Thr1816fs)

Gene: CEP290 (centrosomal protein 290; minus strand). Cytogenetic location: 12q21.32.
Variant type: Deletion.
Coding change: c.5445_5448del on transcript NM_025114.4 (MANE Select); coding-DNA positions 5445 to 5448, 4 bases deleted (AACT; older notation c.5445_5448delAACT).
Protein change: p.Thr1816fs; shifts the reading frame from threonine 1816.
Molecular consequence: frameshift variant.
Genome position (GRCh38, 1-based): chr12:88,077,835-88,077,838, AGTT deleted on the plus strand (AACT on the coding strand, the reverse complement: CEP290 is on the minus strand); deleting any 4 consecutive bases within chr12:88,077,835-88,077,841 gives the same sequence; the c. name uses the placement nearest the transcript's 3' end. VCF-style (leftmost placement, unchanged base first): chr12-88077834-CAGTT-C. GRCh37 (hg19) VCF-style: chr12-88471611-CAGTT-C.
Other names: c.5445_5448del (NM_025114.3); c.5445_5448delAACT (NM_025114.3); short protein forms T1816fs.
Identifiers: ClinVar variation 647028 (VCV000647028.20), dbSNP rs749331348, ClinGen allele CA6711715.